The following is an entry in ClinVar:

ClinVar aggregate classification (germline): Uncertain significance (1 of 4 stars; one submission).

Conditions:
Inborn genetic diseases. Identifiers: MedGen C0950123, MeSH D030342.

gnomAD v4.1: 3 of 1,606,794 alleles (0.00019%); highest among the groups gnomAD compares: Non-Finnish European, 0.00025%; no homozygotes.

Submission:

Ambry Genetics
Classification: Uncertain significance for Inborn genetic diseases. Last evaluated: 2021-03-03. Review status: criteria provided, single submitter. Criteria: Ambry Variant Classification Scheme 2023. Collection method: clinical testing. Allele origin: germline.
Comment: The c.580+4A>C intronic variant results from an A to C substitution 4 nucleotides after coding exon 4 in the TFG gene. This nucleotide position is well conserved in available vertebrate species. In silico splice site analysis predicts that this alteration will not have any significant effect on splicing. Since supporting evidence is limited at this time, the clinical significance of this alteration remains unclear.

NM_006070.6(TFG):c.580+4A>C

Gene: TFG (trafficking from ER to golgi regulator; plus strand). Cytogenetic location: 3q12.2.
Variant type: single nucleotide variant.
Coding change: c.580+4A>C on transcript NM_006070.6 (MANE Select); 4 bases into the intron after coding-DNA position 580, A replaced by C.
Molecular consequence: intron variant.
Genome position (GRCh38, 1-based): chr3:100,732,676, A>C. VCF-style: chr3-100732676-A-C. GRCh37 (hg19) VCF-style: chr3-100451520-A-C.
Other names: c.580+4A>C (NM_001007565.2, NM_001195479.2, NM_001195478.2).
Identifiers: ClinVar variation 1749780 (VCV001749780.2), dbSNP rs1344643752, ClinGen allele CA545494219.